The following is an entry in ClinVar:

ClinVar aggregate classification (germline): Uncertain significance (1 of 4 stars; one submission).

Allele frequency attached by ClinVar (database versions not stated): gnomAD 0.00003; ESP Exome Variant Server 0.00015.
gnomAD v4.1: 67 of 1,587,830 alleles (0.0042%); highest among the groups gnomAD compares: Non-Finnish European, 0.0053%; no homozygotes.

Submission:

Labcorp Genetics (formerly Invitae), Labcorp
Classification: Uncertain significance. Last evaluated: 2022-01-21. Review status: criteria provided, single submitter. Criteria: Invitae Variant Classification Sherloc (09022015). Collection method: clinical testing. Allele origin: germline.
Comment: This sequence change replaces glycine, which is neutral and non-polar, with arginine, which is basic and polar, at codon 308 of the ADSSL1 protein (p.Gly308Arg). This variant also falls at the last nucleotide of exon 8, which is part of the consensus splice site for this exon. This variant is present in population databases (rs145665881, gnomAD 0.008%). This variant has not been reported in the literature in individuals affected with ADSSL1-related conditions. Algorithms developed to predict the effect of missense changes on protein structure and function are either unavailable or do not agree on the potential impact of this missense change (SIFT: "Not Available"; PolyPhen-2: "Probably Damaging"; Align-GVGD: "Not Available"). Variants that disrupt the consensus splice site are a relatively common cause of aberrant splicing (PMID: 17576681, 9536098). In summary, the available evidence is currently insufficient to determine the role of this variant in disease. Therefore, it has been classified as a Variant of Uncertain Significance.

Literature cited by the submitters: PubMed 17576681; PubMed 9536098.

NM_152328.5(ADSS1):c.793G>A (p.Gly265Arg)

Gene: ADSS1 (adenylosuccinate synthase 1; plus strand). Cytogenetic location: 14q32.33.
Variant type: single nucleotide variant.
Coding change: c.793G>A on transcript NM_152328.5 (MANE Select); coding-DNA position 793, G replaced by A.
Protein change: p.Gly265Arg; replaces glycine 265 with arginine.
Molecular consequence: missense variant.
Genome position (GRCh38, 1-based): chr14:104,741,243, G>A. VCF-style: chr14-104741243-G-A. GRCh37 (hg19) VCF-style: chr14-105207580-G-A.
Other names: c.178G>A, p.Gly60Arg (NM_001320424.1); c.922G>A, p.Gly308Arg (NM_199165.2); short protein forms G308R, G265R, G60R.
Identifiers: ClinVar variation 2163101 (VCV002163101.1), dbSNP rs145665881, ClinGen allele CA7373848.
Genomic context (GRCh38, chr14:104,741,243, plus strand): 5'-GGCCCCCCCAAGAAGATCCTGGTGGAGGGTGCCAACGCCGCCCTCCTCGACATTGACTTC[G>A]GTATGTCCGGGAGGGTGTGCGTGCCAACGACCTTTCGTGCCTGCCAGGGAAGACCCAGCT-3'
Protein context (NP_689541.1, residues 255-275): ANAALLDIDF[Gly265Arg]TYPFVTSSNC